The following is an entry in ClinVar:

NM_000112.4(SLC26A2):c.1708A>G (p.Lys570Glu)

Gene: SLC26A2 (solute carrier family 26 member 2; plus strand). Cytogenetic location: 5q32.
Variant type: single nucleotide variant.
Coding change: c.1708A>G on transcript NM_000112.4 (MANE Select); coding-DNA position 1708, A replaced by G.
Protein change: p.Lys570Glu; replaces lysine 570 with glutamic acid.
Molecular consequence: missense variant.
Genome position (GRCh38, 1-based): chr5:149,981,301, A>G. VCF-style: chr5-149981301-A-G. GRCh37 (hg19) VCF-style: chr5-149360864-A-G.
Other names: short protein forms K570E.
Identifiers: ClinVar variation 5003633 (VCV005003633.1).
Genomic context (GRCh38, chr5:149,981,301, plus strand): 5'-AAGAGTTCACTGCTTGGCTTGGTGGAAGAGTCTGAGGTCTTTGAATCTGTGTCTGCTTAC[A>G]AGAACCTTCAGATTAAGCCAGGCATCAAGATTTTCCGCTTTGTAGCCCCTCTCTACTACA-3'
Protein context (NP_000103.2, residues 560-580): SEVFESVSAY[Lys570Glu]NLQIKPGIKI

ClinVar aggregate classification (germline): Uncertain significance (1 of 4 stars; one submission).

Conditions:
SLC26A2-related skeletal dysplasia. Identifiers: MedGen CN379209, MONDO:0100592.

gnomAD v4.1: 4 of 1,614,164 alleles (0.00025%); highest among the groups gnomAD compares: Non-Finnish European, 0.00034%; no homozygotes.

Submission:

Myriad Genetics, Inc.
Classification: Uncertain significance for SLC26A2-related skeletal dysplasia. Last evaluated: 2026-01-29. Review status: criteria provided, single submitter. Criteria: Myriad Autosomal Dominant, Autosomal Recessive and X-Linked Classification Criteria (2023). Collection method: clinical testing. Allele origin: unknown.
Comment: NM_000112.3(SLC26A2):c.1708A>G(K570E) is a missense variant classified as a variant of uncertain significance in the context of SLC26A2-related disorders. K570E has not been observed in cases with relevant disease. Relevant functional assessments of this variant are not available in the literature. K570E has not been observed in referenced population frequency databases. In summary, there is insufficient evidence to classify NM_000112.3(SLC26A2):c.1708A>G(K570E) as pathogenic or benign. Please note: this variant was assessed in the context of healthy population screening.